The following is an entry in ClinVar:

NM_003476.5(CSRP3):c.514T>C (p.Tyr172His)

Gene: CSRP3 (cysteine and glycine rich protein 3; minus strand). Cytogenetic location: 11p15.1.
Variant type: single nucleotide variant.
Coding change: c.514T>C on transcript NM_003476.5 (MANE Select); coding-DNA position 514, T replaced by C.
Protein change: p.Tyr172His; replaces tyrosine 172 with histidine.
Molecular consequence: missense variant. On other transcripts: synonymous variant (1).
Genome position (GRCh38, 1-based): chr11:19,182,741, A>G on the plus strand (T>C on the coding strand, the complement: CSRP3 is on the minus strand). VCF-style: chr11-19182741-A-G. GRCh37 (hg19) VCF-style: chr11-19204288-A-G.
Other names: c.345T>C, p.Ala115= (NM_001369404.1); short protein forms Y172H.
Identifiers: ClinVar variation 836572 (VCV000836572.11), dbSNP rs1850457848, ClinGen allele CA379887580.
Genomic context (GRCh38, chr11:19,182,741, plus strand): 5'-TTTCCACTTGTTGTGTAAGGCCTCCAAACCCAATACCCGTGGGGCCAAAATTTTTGGCAT[A>G]GCAAACTGTGAATGAGAAGAGGATGAAGGGAGAGACAATGCATTGGTTAGTGCCATTTTT-3'
Protein context (NP_003467.1, residues 162-182): KDGELYCKVC[Tyr172His]AKNFGPTGIG

ClinVar aggregate classification (germline): Uncertain significance (1 of 4 stars; one submission).

Conditions:
Hypertrophic cardiomyopathy 12. Identifiers: MedGen C2677491, MONDO:0012804, OMIM 612124.
Dilated cardiomyopathy 1M (CMD1M). Identifiers: Orphanet 154, MedGen C1843808, MONDO:0011840, OMIM 607482.

Submission:

Labcorp Genetics (formerly Invitae), Labcorp
Classification: Uncertain significance for Hypertrophic cardiomyopathy 12; Dilated cardiomyopathy 1M. Last evaluated: 2022-08-09. Review status: criteria provided, single submitter. Criteria: Invitae Variant Classification Sherloc (09022015). Collection method: clinical testing. Allele origin: germline.
Comment: In summary, the available evidence is currently insufficient to determine the role of this variant in disease. Therefore, it has been classified as a Variant of Uncertain Significance. Algorithms developed to predict the effect of missense changes on protein structure and function are either unavailable or do not agree on the potential impact of this missense change (SIFT: "Tolerated"; PolyPhen-2: "Probably Damaging"; Align-GVGD: "Class C0"). ClinVar contains an entry for this variant (Variation ID: 836572). This missense change has been observed in individual(s) with hypertrophic cardiomyopathy (PMID: 30847666). This variant is not present in population databases (gnomAD no frequency). This sequence change replaces tyrosine, which is neutral and polar, with histidine, which is basic and polar, at codon 172 of the CSRP3 protein (p.Tyr172His).

Literature cited by the submitters: PubMed 30847666.